The following is an entry in ClinVar:

ClinVar aggregate classification (germline): Likely benign. Review status: criteria provided, multiple submitters, no conflicts (2 of 4 stars). 3 submissions from 3 submitters: Likely benign (3). Last evaluated 2026-07-01.

Conditions:
Neuropathy, hereditary sensory and autonomic, type 2A (HSAN2A). Also called: ACROOSTEOLYSIS, GIACCAI TYPE; ACROOSTEOLYSIS, NEUROGENIC; MORVAN DISEASE; NEUROPATHY, CONGENITAL SENSORY; NEUROPATHY, HEREDITARY SENSORY RADICULAR, AUTOSOMAL RECESSIVE; NEUROPATHY, HEREDITARY SENSORY, TYPE IIA. Identifiers: Orphanet 970, MedGen C2752089, MONDO:0024309, OMIM 201300.
Pseudohypoaldosteronism type 2C (PHA2C). Also called: Pseudohypoaldosteronism Type IIC. Identifiers: Orphanet 757, Orphanet 88940, MedGen C1840391, MONDO:0013778, OMIM 614492.
WNK1-related disorder. Also called: WNK1-related condition.

Allele frequency attached by ClinVar (database versions not stated): gnomAD 0.00006 and 0.00007; TOPMed 0.00006.
gnomAD v4.1: 115 of 1,514,390 alleles (0.0076%); highest among the groups gnomAD compares: Middle Eastern, 0.017%; no homozygotes.

Submissions (3):

CeGaT Center for Human Genetics Tuebingen
Classification: Likely benign. Last evaluated: 2026-07-01. Review status: criteria provided, single submitter. Criteria: CeGaT Center For Human Genetics Tuebingen Variant Classification Criteria Version 2. Collection method: clinical testing. Allele origin: germline. Affected: yes. Observed: 1 variant allele.
Comment: WNK1: BP4, BP7

Labcorp Genetics (formerly Invitae), Labcorp
Classification: Likely benign for Neuropathy, hereditary sensory and autonomic, type 2A; Pseudohypoaldosteronism type 2C. Last evaluated: 2025-09-30. Review status: criteria provided, single submitter. Criteria: Invitae Variant Classification Sherloc (09022015). Collection method: clinical testing. Allele origin: germline.

PreventionGenetics, part of Exact Sciences
Classification: Likely benign for WNK1-related condition. Last evaluated: 2025-06-20. Review status: criteria provided, single submitter. Criteria: ACMG Guidelines, 2015. Collection method: clinical testing. Allele origin: germline.
Comment: This variant is classified as likely benign based on ACMG/AMP sequence variant interpretation guidelines (Richards et al. 2015 PMID: 25741868, with internal and published modifications).

NM_213655.5(WNK1):c.2202C>T (p.Pro734=)

Gene: WNK1 (WNK lysine deficient protein kinase 1; plus strand). Cytogenetic location: 12p13.33.
Variant type: single nucleotide variant.
Coding change: c.2202C>T on transcript NM_213655.5 (MANE Plus Clinical); coding-DNA position 2202, C replaced by T.
Protein change: p.Pro734=; no amino-acid change (proline 734 retained).
Molecular consequence: synonymous variant. On other transcripts: intron variant (3).
Genome position (GRCh38, 1-based): chr12:865,172, C>T. VCF-style: chr12-865172-C-T. GRCh37 (hg19) VCF-style: chr12-974338-C-T.
Other names: c.2202C>T (NM_213655.4); c.2140-2694C>T (NM_001184985.2); c.2139+2902C>T (NM_018979.4, NM_014823.3).
Identifiers: ClinVar variation 1555326 (VCV001555326.11), dbSNP rs72649831, ClinGen allele CA231495411.
Genomic context (GRCh38, chr12:865,172, plus strand): 5'-TCGTCGTGGCCGTAGCATGTCGGTTTGTGTTCCCATCTTTCTGCTGTTGCCTCTGTGTCC[C>T]GCATCTCTCCCAGTGCTCTTCCACCCCACCGCCAGTACTGTCTGCACCTCTTTCTCCTTC-3'
Protein context (NP_998820.3, residues 724-744): VPIFLLLPLC[Pro734=]ASLPVLFHPT